The following is an entry in ClinVar:

NC_000018.9:g.(?_2920291)_(3457938_?)dup

Genes: MYL12A (myosin light chain 12A; plus strand), TGIF1 (TGFB induced factor homeobox 1; plus strand), LPIN2 (lipin 2; minus strand), MYOM1 (myomesin 1; minus strand), MYL12B (myosin light chain 12B; plus strand). Cytogenetic location: 18p11.31.
Variant type: Duplication.
Identifiers: ClinVar variation 1411846 (VCV001411846.5).

ClinVar aggregate classification (germline): Uncertain significance (1 of 4 stars; one submission).

Conditions:
Majeed syndrome (MJDS). Also called: CHRONIC RECURRENT MULTIFOCAL OSTEOMYELITIS 1, WITH CONGENITAL DYSERYTHROPOIETIC ANEMIA, WITH OR WITHOUT NEUTROPHILIC DERMATOSIS; LPIN2-Related Majeed Syndrome. Identifiers: Orphanet 77297, MedGen C1864997, MONDO:0012316, OMIM 609628.

Submission:

Labcorp Genetics (formerly Invitae), Labcorp
Classification: Uncertain significance for Majeed syndrome. Last evaluated: 2022-07-25. Review status: criteria provided, single submitter. Criteria: Invitae Variant Classification Sherloc (09022015). Collection method: clinical testing. Allele origin: germline.
Comment: A copy number gain of the genomic region encompassing the full coding sequence of the LPIN2 gene has been identified. The boundaries of this event are unknown as they extend beyond the assayed region for this gene and therefore may encompass additional genes. As the precise location of this event is unknown, it may be in tandem or it may be located elsewhere in the genome. This variant has not been reported in the literature in individuals affected with LPIN2-related conditions. In summary, the available evidence is currently insufficient to determine the role of this variant in disease. Therefore, it has been classified as a Variant of Uncertain Significance.